The following is an entry in ClinVar:

ClinVar aggregate classification (germline): Uncertain significance (1 of 4 stars; one submission).

Conditions:
Allan-Herndon-Dudley syndrome (AHDS). Also called: ALLAN-HERNDON SYNDROME; MENTAL RETARDATION AND MUSCULAR ATROPHY; T3 RESISTANCE; TRIIODOTHYRONINE RESISTANCE; Passos-Bueno syndrome. Identifiers: Orphanet 59, MedGen C0795889, MONDO:0010354, OMIM 300523.

Submission:

3billion
Classification: Uncertain significance for Allan-Herndon-Dudley syndrome. Last evaluated: 2024-11-12. Review status: criteria provided, single submitter. Criteria: ACMG Guidelines, 2015. Collection method: clinical testing. Allele origin: germline. Affected: yes.
Comment: The variant is not observed in the gnomAD v4.1.0 dataset. Predicted Consequence/Location: Synonymous variant In silico tools predict the variant to alter splicing and produce an abnormal transcript [SpliceAI: 0.68 (>=0.2, moderate evidence for spliceogenicity)]. Therefore, this variant is classified as VUS according to the recommendation of ACMG/AMP guideline.

NM_006517.5(SLC16A2):c.1002C>G (p.Gly334=)

Gene: SLC16A2 (solute carrier family 16 member 2; plus strand). Cytogenetic location: Xq13.2.
Variant type: single nucleotide variant.
Coding change: c.1002C>G on transcript NM_006517.5 (MANE Select); coding-DNA position 1002, C replaced by G.
Protein change: p.Gly334=; no amino-acid change (glycine 334 retained).
Molecular consequence: synonymous variant.
Genome position (GRCh38, 1-based): chrX:74,524,785, C>G. VCF-style: chrX-74524785-C-G. GRCh37 (hg19) VCF-style: chrX-73744620-C-G.
Identifiers: ClinVar variation 4293484 (VCV004293484.1).